The following is an entry in ClinVar:

ClinVar aggregate classification (germline): Uncertain significance. Review status: criteria provided, multiple submitters, no conflicts (2 of 4 stars). 3 submissions from 3 submitters: Uncertain significance (2). 1 of the submissions does not count toward it. Last evaluated 2023-12-11.

Allele frequency attached by ClinVar (database versions not stated): gnomAD 0.00026 and 0.00027; TOPMed 0.00034; ESP Exome Variant Server 0.00074.
gnomAD v4.1: 625 of 1,613,724 alleles (0.039%); highest among the groups gnomAD compares: Non-Finnish European, 0.05%; no homozygotes.

Submissions (3):

Labcorp Genetics (formerly Invitae), Labcorp
Classification: Uncertain significance. Last evaluated: 2023-12-11. Review status: criteria provided, single submitter. Criteria: Invitae Variant Classification Sherloc (09022015). Collection method: clinical testing. Allele origin: germline.
Comment: This sequence change replaces proline, which is neutral and non-polar, with leucine, which is neutral and non-polar, at codon 3493 of the FAT1 protein (p.Pro3493Leu). This variant is present in population databases (rs200357548, gnomAD 0.04%). This variant has not been reported in the literature in individuals affected with FAT1-related conditions. ClinVar contains an entry for this variant (Variation ID: 493405). Advanced modeling of protein sequence and biophysical properties (such as structural, functional, and spatial information, amino acid conservation, physicochemical variation, residue mobility, and thermodynamic stability) performed at Invitae indicates that this missense variant is not expected to disrupt FAT1 protein function with a negative predictive value of 80%. In summary, the available evidence is currently insufficient to determine the role of this variant in disease. Therefore, it has been classified as a Variant of Uncertain Significance.

CeGaT Center for Human Genetics Tuebingen
Classification: Uncertain significance. Last evaluated: 2023-09-01. Review status: criteria provided, single submitter. Criteria: CeGaT Center For Human Genetics Tuebingen Variant Classification Criteria Version 2. Collection method: clinical testing. Allele origin: germline. Affected: yes. Observed: 2 variant alleles.
Comment: FAT1: PM2, BP4

Department of Pathology and Laboratory Medicine, Sinai Health System
Classification: Uncertain significance. Review status: no assertion criteria provided. Collection method: clinical testing. Allele origin: unknown. Affected: yes. Study: The Canadian Open Genetics Repository (COGR). Not counted in ClinVar's aggregate classification.
Comment: The FAT1 p.Pro3493Leu variant was not identified in the literature nor was it identified in Cosmic or LOVD 3.0. The variant was identified in dbSNP (ID: rs200357548) and ClinVar where it was identified in two individuals by Praxis fuer Humangenetik Tuebingen and classified to be of uncertain significance. The variant was identified in control databases in 59 of 280622 chromosomes at a frequency of 0.00021 (Genome Aggregation Database Feb 27, 2017). The variant was observed in the following populations: European (non-Finnish) in 50 of 128422 chromosomes (freq: 0.000389), African in 5 of 24194 chromosomes (freq: 0.000207), Latino in 3 of 35366 chromosomes (freq: 0.000085), European (Finnish) in 1 of 25020 chromosomes (freq: 0.00004). The variant was not observed in the Ashkenazi Jewish, East Asian, Other, and South Asian populations. The p.Pro3493 residue is not conserved in mammals and computational analyses (PolyPhen-2, SIFT, AlignGVGD, BLOSUM, MutationTaster) do not suggest a high likelihood of impact to the protein; however, this information is not predictive enough to rule out pathogenicity. In summary, based on the above information the clinical significance of this variant cannot be determined with certainty at this time. This variant is classified as a variant of uncertain significance.

NM_005245.4(FAT1):c.10478C>T (p.Pro3493Leu)

Gene: FAT1 (FAT atypical cadherin 1; minus strand). Cytogenetic location: 4q35.2.
Variant type: single nucleotide variant.
Coding change: c.10478C>T on transcript NM_005245.4 (MANE Select); coding-DNA position 10478, C replaced by T.
Protein change: p.Pro3493Leu; replaces proline 3493 with leucine.
Molecular consequence: missense variant.
Genome position (GRCh38, 1-based): chr4:186,604,447, G>A on the plus strand (C>T on the coding strand, the complement: FAT1 is on the minus strand). VCF-style: chr4-186604447-G-A. GRCh37 (hg19) VCF-style: chr4-187525601-G-A.
Other names: short protein forms P3493L.
Identifiers: ClinVar variation 493405 (VCV000493405.46), dbSNP rs200357548, ClinGen allele CA3165349.